The following is an entry in ClinVar:

NM_000223.4(KRT12):c.1316G>A (p.Gly439Asp)

Gene: KRT12 (keratin 12; minus strand). Cytogenetic location: 17q21.2.
Variant type: single nucleotide variant.
Coding change: c.1316G>A on transcript NM_000223.4 (MANE Select); coding-DNA position 1316, G replaced by A.
Protein change: p.Gly439Asp; replaces glycine 439 with aspartic acid.
Molecular consequence: missense variant.
Genome position (GRCh38, 1-based): chr17:40,863,123, C>T on the plus strand (G>A on the coding strand, the complement: KRT12 is on the minus strand). VCF-style: chr17-40863123-C-T. GRCh37 (hg19) VCF-style: chr17-39019375-C-T.
Other names: short protein forms G439D.
Identifiers: ClinVar variation 2431007 (VCV002431007.2), dbSNP rs1305982561, ClinGen allele CA399383408.

ClinVar aggregate classification (germline): Uncertain significance (1 of 4 stars; one submission).

Allele frequency attached by ClinVar (database versions not stated): gnomAD 0.00001; gnomAD exomes 0.00003; TOPMed below 0.00001.
gnomAD v4.1: 38 of 1,613,910 alleles (0.0024%); highest among the groups gnomAD compares: Non-Finnish European, 0.0031%; no homozygotes.

Submission:

GeneDx
Classification: Uncertain significance. Last evaluated: 2025-09-23. Review status: criteria provided, single submitter. Criteria: GeneDx Variant Classification Process June 2021. Collection method: clinical testing. Allele origin: germline.
Comment: In silico analysis suggests that this missense variant does not alter protein structure/function; Has not been previously published as pathogenic or benign to our knowledge